The following is an entry in ClinVar:

NM_000444.6(PHEX):c.2245T>A (p.Trp749Arg)

Genes: PHEX (phosphate regulating endopeptidase X-linked; plus strand), PTCHD1-AS (PTCHD1 and PHEX antisense RNA; minus strand). Cytogenetic location: Xp22.11.
Variant type: single nucleotide variant.
Coding change: c.2245T>A on transcript NM_000444.6 (MANE Select); coding-DNA position 2245, T replaced by A.
Protein change: p.Trp749Arg; replaces tryptophan 749 with arginine.
Molecular consequence: missense variant. On other transcripts: 3 prime UTR variant (1).
Genome position (GRCh38, 1-based): chrX:22,247,948, T>A. VCF-style: chrX-22247948-T-A. GRCh37 (hg19) VCF-style: chrX-22266065-T-A.
Other names: c.*80T>A (NM_001282754.2); short protein forms W749R.
Identifiers: ClinVar variation 861072 (VCV000861072.9), dbSNP rs1556206403, ClinGen allele CA412575566.
Genomic context (GRCh38, chrX:22,247,948, plus strand): 5'-AAAGCTTTTAACTGTCCACCCAATTCCACGATGAACAGAGGCATGGACTCCTGCCGACTC[T>A]GGTAGCTGGGACGCTGGTTTATGGCATCCTGAGACAGTTGCACAGTGCCAGCGGAGGCTG-3'
Protein context (NP_000435.3, residues 739-749): MNRGMDSCRL[Trp749Arg]

ClinVar aggregate classification (germline): Pathogenic (1 of 4 stars; one submission).

Submission:

Labcorp Genetics (formerly Invitae), Labcorp
Classification: Pathogenic. Last evaluated: 2023-08-17. Review status: criteria provided, single submitter. Criteria: Invitae Variant Classification Sherloc (09022015). Collection method: clinical testing. Allele origin: germline.
Comment: This sequence change replaces tryptophan, which is neutral and slightly polar, with arginine, which is basic and polar, at codon 749 of the PHEX protein (p.Trp749Arg). This variant is not present in population databases (gnomAD no frequency). This missense change has been observed in individuals with PHEX-related conditions (PMID: 9768674, 29858904; Invitae). It has also been observed to segregate with disease in related individuals. ClinVar contains an entry for this variant (Variation ID: 861072). Advanced modeling of protein sequence and biophysical properties (such as structural, functional, and spatial information, amino acid conservation, physicochemical variation, residue mobility, and thermodynamic stability) performed at Invitae indicates that this missense variant is expected to disrupt PHEX protein function. Algorithms developed to predict the effect of sequence changes on RNA splicing suggest that this variant may create or strengthen a splice site. For these reasons, this variant has been classified as Pathogenic.

Literature cited by the submitters: PubMed 9768674; PubMed 29858904.